The following is an entry in ClinVar:

ClinVar aggregate classification (germline): Benign/Likely benign. Review status: criteria provided, multiple submitters, no conflicts (2 of 4 stars). 14 submissions from 14 submitters: Benign (7); Likely benign (3). 4 of the submissions do not count toward it. Last evaluated 2026-09-01.

Conditions:
Cardiovascular phenotype. Identifiers: MedGen CN230736.
Myofibrillar myopathy 5. Also called: Filaminopathy (type); FILAMINOPATHY, AUTOSOMAL DOMINANT. Identifiers: Orphanet 171445, MedGen C1836050, MONDO:0012289, OMIM 609524.
Hypertrophic cardiomyopathy 26. Also called: Cardiomyopathy, familial hypertrophic, 26. Identifiers: Orphanet 75249, MedGen C4310749, MONDO:0014883, OMIM 617047.
Distal myopathy with posterior leg and anterior hand involvement. Also called: WILLIAMS DISTAL MYOPATHY. Identifiers: Orphanet 63273, MedGen C3279722, MONDO:0013550, OMIM 614065.
FLNC-related disorder. Also called: FLNC-related disorders; FLNC-related condition.

Allele frequency attached by ClinVar (database versions not stated): gnomAD exomes 0.00033 and 0.00070; ExAC 0.00075; gnomAD 0.00194 and 0.00212; 1000 Genomes Project 0.00200; 1000 Genomes Project 30x 0.00203; ESP Exome Variant Server 0.00207; TOPMed 0.00278.
gnomAD v4.1: 821 of 1,613,914 alleles (0.051%); highest among the groups gnomAD compares: African/African-American, 0.43%; 1 homozygote.

Submissions (14):

CeGaT Center for Human Genetics Tuebingen
Classification: Likely benign. Last evaluated: 2026-09-01. Review status: criteria provided, single submitter. Criteria: CeGaT Center For Human Genetics Tuebingen Variant Classification Criteria Version 2. Collection method: clinical testing. Allele origin: germline. Affected: yes. Observed: 3 variant alleles.
Comment: FLNC: BP4, BP7, BS1

Labcorp Genetics (formerly Invitae), Labcorp
Classification: Benign for Distal myopathy with posterior leg and anterior hand involvement; Myofibrillar myopathy 5; Hypertrophic cardiomyopathy 26. Last evaluated: 2026-02-03. Review status: criteria provided, single submitter. Criteria: Invitae Variant Classification Sherloc (09022015). Collection method: clinical testing. Allele origin: germline.

Molecular Diagnostic Laboratory for Inherited Cardiovascular Disease, Montreal Heart Institute
Classification: Benign. Last evaluated: 2025-04-09. Review status: criteria provided, single submitter. Criteria: ACMG Guidelines, 2015. Collection method: clinical testing. Allele origin: germline. Affected: no.

Blueprint Genetics
Classification: Likely benign. Last evaluated: 2024-11-01. Review status: criteria provided, single submitter. Criteria: ACMG Guidelines, 2015. Collection method: clinical testing. Allele origin: germline.

Mayo Clinic Laboratories, Mayo Clinic
Classification: Benign. Last evaluated: 2023-12-28. Review status: criteria provided, single submitter. Criteria: ACMG Guidelines, 2015. Collection method: clinical testing. Allele origin: germline. Observed: 3 variant alleles.
Comment: BS1, BS2, BP4, BP7

ARUP Laboratories, Molecular Genetics and Genomics, ARUP Laboratories
Classification: Benign. Last evaluated: 2023-11-28. Review status: criteria provided, single submitter. Criteria: ARUP Molecular Germline Variant Investigation Process 2024. Collection method: clinical testing. Allele origin: germline.

Women's Health and Genetics/Laboratory Corporation of America, LabCorp
Classification: Benign. Last evaluated: 2023-07-29. Review status: criteria provided, single submitter. Criteria: LabCorp Variant Classification Summary - May 2015. Collection method: clinical testing. Allele origin: germline.

GeneDx
Classification: Benign. Last evaluated: 2020-10-27. Review status: criteria provided, single submitter. Criteria: GeneDx Variant Classification Process June 2021. Collection method: clinical testing. Allele origin: germline. Affected: yes.

Ambry Genetics
Classification: Likely benign for Cardiovascular phenotype. Last evaluated: 2018-12-28. Review status: criteria provided, single submitter. Criteria: Ambry Variant Classification Scheme 2023. Collection method: clinical testing. Allele origin: germline.

Breakthrough Genomics
Classification: Benign. Review status: criteria provided, single submitter. Criteria: ACMG Guidelines, 2015. Collection method: not provided. Allele origin: germline. Inheritance: Autosomal dominant inheritance. Affected: yes.

PreventionGenetics, part of Exact Sciences
Classification: Benign for FLNC-related condition. Last evaluated: 2019-06-14. Review status: no assertion criteria provided. Collection method: clinical testing. Allele origin: germline. Not counted in ClinVar's aggregate classification.
Comment: This variant is classified as benign based on ACMG/AMP sequence variant interpretation guidelines (Richards et al. 2015 PMID: 25741868, with internal and published modifications).

Clinical Genetics DNA and cytogenetics Diagnostics Lab, Erasmus MC, Erasmus Medical Center
Classification: Likely benign. Review status: no assertion criteria provided. Collection method: clinical testing. Allele origin: germline. Affected: yes. Study: VKGL Data-share Consensus. Not counted in ClinVar's aggregate classification.

Clinical Genetics, Academic Medical Center
Classification: Benign. Review status: no assertion criteria provided. Collection method: clinical testing. Allele origin: germline. Affected: yes. Study: VKGL Data-share Consensus. Not counted in ClinVar's aggregate classification.

Genome Diagnostics Laboratory, University Medical Center Utrecht
Classification: Benign. Review status: no assertion criteria provided. Collection method: clinical testing. Allele origin: germline. Affected: yes. Study: VKGL Data-share Consensus. Not counted in ClinVar's aggregate classification.

NM_001458.5(FLNC):c.2889G>A (p.Pro963=)

Gene: FLNC (filamin C; plus strand). Cytogenetic location: 7q32.1.
Variant type: single nucleotide variant.
Coding change: c.2889G>A on transcript NM_001458.5 (MANE Select); coding-DNA position 2889, G replaced by A.
Protein change: p.Pro963=; no amino-acid change (proline 963 retained).
Molecular consequence: synonymous variant.
Genome position (GRCh38, 1-based): chr7:128,843,873, G>A. VCF-style: chr7-128843873-G-A. GRCh37 (hg19) VCF-style: chr7-128483927-G-A.
Other names: p.Pro963=; c.2889G>A, p.Pro963= (NM_001127487.2).
Identifiers: ClinVar variation 382871 (VCV000382871.51), dbSNP rs191892345, ClinGen allele CA4474892.